The following is an entry in ClinVar:

ClinVar aggregate classification (germline): Conflicting classifications of pathogenicity. Review status: criteria provided, conflicting classifications (1 of 4 stars). 2 submissions from 2 submitters: Uncertain significance (1); Likely benign (1). Last evaluated 2025-03-12.

Conditions:
Gorlin syndrome. Also called: Nevoid Basal Cell Carcinoma Syndrome; Basal cell nevus syndrome. Identifiers: Orphanet 377, MedGen C0004779, MONDO:0007187.
Hereditary cancer-predisposing syndrome. Also called: Neoplastic Syndromes, Hereditary; Hereditary neoplastic syndrome; Hereditary Cancer Syndrome; Tumor predisposition. Identifiers: Orphanet 140162, MedGen C0027672, MeSH D009386, MONDO:0015356.

gnomAD v4.1: 4 of 1,613,848 alleles (0.00025%); highest among the groups gnomAD compares: Non-Finnish European, 0.00034%; no homozygotes.

Submissions (2):

Labcorp Genetics (formerly Invitae), Labcorp
Classification: Likely benign for Gorlin syndrome. Last evaluated: 2025-03-12. Review status: criteria provided, single submitter. Criteria: Invitae Variant Classification Sherloc (09022015). Collection method: clinical testing. Allele origin: germline.

Ambry Genetics
Classification: Uncertain significance for Hereditary cancer-predisposing syndrome. Last evaluated: 2023-09-25. Review status: criteria provided, single submitter. Criteria: Ambry Variant Classification Scheme 2023. Collection method: clinical testing. Allele origin: germline.
Comment: The p.D1110N variant (also known as c.3328G>A), located in coding exon 20 of the PTCH1 gene, results from a G to A substitution at nucleotide position 3328. The aspartic acid at codon 1110 is replaced by asparagine, an amino acid with highly similar properties. This amino acid position is conserved. In addition, the in silico prediction for this alteration is inconclusive. Since supporting evidence is limited at this time, the clinical significance of this alteration remains unclear.

NM_000264.5(PTCH1):c.3328G>A (p.Asp1110Asn)

Gene: PTCH1 (patched 1; minus strand). Cytogenetic location: 9q22.32.
Variant type: single nucleotide variant.
Coding change: c.3328G>A on transcript NM_000264.5 (MANE Select); coding-DNA position 3328, G replaced by A.
Protein change: p.Asp1110Asn; replaces aspartic acid 1110 with asparagine.
Molecular consequence: missense variant. On other transcripts: non-coding transcript variant (1).
Genome position (GRCh38, 1-based): chr9:95,453,599, C>T on the plus strand (G>A on the coding strand, the complement: PTCH1 is on the minus strand). VCF-style: chr9-95453599-C-T. GRCh37 (hg19) VCF-style: chr9-98215881-C-T.
Other names: c.3130G>A, p.Asp1044Asn (NM_001083602.3); c.3325G>A, p.Asp1109Asn (NM_001083603.3); c.2875G>A, p.Asp959Asn (NM_001083604.3, NM_001083605.3, NM_001083606.3 and 1 more transcripts); c.3172G>A, p.Asp1058Asn (NM_001354918.2); short protein forms D1109N, D1058N, D959N, D1044N, D1110N.
Identifiers: ClinVar variation 947103 (VCV000947103.9), dbSNP rs911494100, ClinGen allele CA196571130.